The following is an entry in ClinVar:

NM_000083.3(CLCN1):c.1262G>A (p.Arg421His)

Gene: CLCN1 (chloride voltage-gated channel 1; plus strand). Cytogenetic location: 7q34.
Variant type: single nucleotide variant.
Coding change: c.1262G>A on transcript NM_000083.3 (MANE Select); coding-DNA position 1262, G replaced by A.
Protein change: p.Arg421His; replaces arginine 421 with histidine.
Molecular consequence: missense variant.
Genome position (GRCh38, 1-based): chr7:143,332,734, G>A. VCF-style: chr7-143332734-G-A. GRCh37 (hg19) VCF-style: chr7-143029827-G-A.
Other names: short protein forms R421H.
Identifiers: ClinVar variation 447049 (VCV000447049.52), dbSNP rs780834658, ClinGen allele CA4537308.

ClinVar aggregate classification (germline): Conflicting classifications of pathogenicity. Review status: criteria provided, conflicting classifications (1 of 4 stars). 10 submissions from 10 submitters: Pathogenic (5); Likely pathogenic (2); Uncertain significance (2). 1 of the submissions does not count toward it. Last evaluated 2025-11-15.

Conditions:
CLCN1-related disorder. Also called: CLCN1-related condition.
Congenital myotonia, autosomal dominant form (THD). Also called: Myotonia congenita autosomal dominant; THOMSEN DISEASE. Identifiers: Orphanet 614, MedGen C2936781, MONDO:0008055, OMIM 160800.
Congenital myotonia, autosomal recessive form. Also called: BECKER DISEASE; Becker Generalized Myotonia; myotonia congenita, autosomal recessive. Identifiers: Orphanet 614, MedGen C0751360, MONDO:0009715, OMIM 255700.

Allele frequency attached by ClinVar (database versions not stated): ExAC 0.00001; gnomAD exomes 0.00001; TOPMed 0.00002.

Submissions (10):

Labcorp Genetics (formerly Invitae), Labcorp
Classification: Pathogenic for Congenital myotonia, autosomal recessive form; Congenital myotonia, autosomal dominant form. Last evaluated: 2025-11-15. Review status: criteria provided, single submitter. Criteria: Invitae Variant Classification Sherloc (09022015). Collection method: clinical testing. Allele origin: germline.
Comment: This sequence change replaces arginine, which is basic and polar, with histidine, which is basic and polar, at codon 421 of the CLCN1 protein (p.Arg421His). This variant is present in population databases (rs780834658, gnomAD 0.003%). This missense change has been observed in individual(s) with autosomal recessive myotonia congenita (PMID: 21221019, 35907044). In at least one individual the data is consistent with being in trans (on the opposite chromosome) from a pathogenic variant. ClinVar contains an entry for this variant (Variation ID: 447049). Invitae Evidence Modeling of protein sequence and biophysical properties (such as structural, functional, and spatial information, amino acid conservation, physicochemical variation, residue mobility, and thermodynamic stability) has been performed for this missense variant. However, the output from this modeling did not meet the statistical confidence thresholds required to predict the impact of this variant on CLCN1 protein function. This variant disrupts the p.Arg421 amino acid residue in CLCN1. Other variant(s) that disrupt this residue have been determined to be pathogenic (PMID: 22094069, 23113340, 23739125). This suggests that this residue is clinically significant, and that variants that disrupt this residue are likely to be disease-causing. For these reasons, this variant has been classified as Pathogenic.

Fulgent Genetics
Classification: Pathogenic for Congenital myotonia, autosomal dominant form; Congenital myotonia, autosomal recessive form. Last evaluated: 2024-05-28. Review status: criteria provided, single submitter. Criteria: ACMG Guidelines, 2015. Collection method: clinical testing. Allele origin: germline.

Blueprint Genetics
Classification: Pathogenic for CLCN1-related disorders. Last evaluated: 2024-03-05. Review status: criteria provided, single submitter. Criteria: ACMG Guidelines, 2015. Collection method: clinical testing. Allele origin: germline. Affected: yes. Observed: 5 variant alleles.

Women's Health and Genetics/Laboratory Corporation of America, LabCorp
Classification: Pathogenic for Congenital myotonia, autosomal recessive form. Last evaluated: 2023-11-02. Review status: criteria provided, single submitter. Criteria: LabCorp Variant Classification Summary - May 2015. Collection method: clinical testing. Allele origin: germline.
Comment: Variant summary: CLCN1 c.1262G>A (p.Arg421His) results in a non-conservative amino acid change located in a Chloride channel, voltage gated domain (IPR001807) of the encoded protein sequence. This alters a highly conserved residue (HGMD) in which another missense change (p.Arg421Cys) is classified as pathogenic. Four of five in-silico tools predict a damaging effect of the variant on protein function. The variant allele was found at a frequency of 8e-06 in 251448 control chromosomes (gnomAD). c.1262G>A has been reported in the literature in multiple individuals affected with Myotonia congenita (Modoni_2011, Ferradini_2017, Yuan_2022), and some were reported as compound heterozygous with other pathogenic variants. These data indicate that the variant is very likely to be associated with disease. The following publications have been ascertained in the context of this evaluation (PMID: 21221019, 25065301, 28427807, 35907044). Four submitters have cited clinical-significance assessments for this variant to ClinVar after 2014, and classified it as pathogenic (n=2), likely pathogenic (n=1), or uncertain significance (n=1). Based on the evidence outlined above, the variant was classified as pathogenic.

PreventionGenetics, part of Exact Sciences
Classification: Uncertain significance for CLCN1-related condition. Last evaluated: 2023-09-06. Review status: criteria provided, single submitter. Criteria: ACMG Guidelines, 2015. Collection method: clinical testing. Allele origin: germline.
Comment: The CLCN1 c.1262G>A variant is predicted to result in the amino acid substitution p.Arg421His. This variant has been reported with a second CLCN1 loss-of-function variant in two family members with autosomal recessive myotonia congenita (Table 1, Modoni et al. 2011. PubMed ID: 21221019). Of note, a different amino acid change at this position (p.Arg421Cys) has been reported with a second CLCN1 variant in at least four individuals with autosomal recessive myotonia congenita (Mazón et al. 2011. PubMed ID: 22094069; Suetterlin et al. 2022. PubMed ID: 34529042; Morrow et al. 2013. PubMed ID: 23810313). This variant is reported in 0.00088% of alleles in individuals of European (Non-Finnish) descent in gnomAD. Although we suspect that this variant may be pathogenic autosomal recessive myotonia congenita at this time, the clinical significance of this variant is uncertain due to the absence of conclusive functional and genetic evidence.

GeneDx
Classification: Uncertain significance. Last evaluated: 2022-03-22. Review status: criteria provided, single submitter. Criteria: GeneDx Variant Classification Process June 2021. Collection method: clinical testing. Allele origin: germline. Affected: yes.
Comment: Not observed at significant frequency in large population cohorts (gnomAD); In silico analysis supports that this missense variant does not alter protein structure/function; This variant is associated with the following publications: (PMID: 21221019, 25065301, 28427807, 27118449)

CeGaT Center for Human Genetics Tuebingen
Classification: Pathogenic. Last evaluated: 2017-05-01. Review status: criteria provided, single submitter. Criteria: CeGaT Center For Human Genetics Tuebingen Variant Classification Criteria Version 2. Collection method: clinical testing. Allele origin: germline. Affected: yes. Observed: 1 variant allele.

Athena Diagnostics
Classification: Likely pathogenic. Last evaluated: 2017-03-29. Review status: criteria provided, single submitter. Criteria: Athena Diagnostics Criteria. Collection method: clinical testing. Allele origin: germline.

Juno Genomics, Hangzhou Juno Genomics, Inc
Classification: Likely pathogenic for Congenital myotonia, autosomal recessive form. Review status: criteria provided, single submitter. Criteria: ACMG Guidelines, 2015. Collection method: clinical testing. Allele origin: germline.
Comment: Absent from controls (or at extremely low frequency if recessive) in Genome Aggregation Database.;Novel missense change at an amino acid residue where a different missense change determined to be pathogenic has been seen before.;Multiple lines of computational evidence support a deleterious effect on the gene or gene product.;For recessive disorders, detected in trans with a pathogenic variant.;Co-segregation with disease in multiple affected family members.

Department of Neurology and Geriatrics, Kagoshima University Graduate School of Medical and Dental Sciences
Classification: Pathogenic for Congenital myotonia, autosomal recessive form. Last evaluated: 2022-04-06. Review status: no assertion criteria provided. Collection method: research. Allele origin: germline. Affected: yes. Not counted in ClinVar's aggregate classification.

Literature cited by the submitters: PubMed 21221019 (cited by 3 submitters); PubMed 35907044 (cited by Labcorp Genetics (formerly Invitae), Labcorp and Women's Health and Genetics/Laboratory Corporation of America, LabCorp); PubMed 22094069 (cited by Labcorp Genetics (formerly Invitae), Labcorp); PubMed 23113340 (cited by Labcorp Genetics (formerly Invitae), Labcorp); PubMed 23739125 (cited by Labcorp Genetics (formerly Invitae), Labcorp); PubMed 25065301 (cited by Women's Health and Genetics/Laboratory Corporation of America, LabCorp and Athena Diagnostics); PubMed 28427807 (cited by Women's Health and Genetics/Laboratory Corporation of America, LabCorp).